The following is an entry in ClinVar:

ClinVar aggregate classification (germline): Likely benign (0 of 4 stars; one submission).

Conditions:
TBX21-related disorder. Also called: TBX21-related condition.

Submission:

PreventionGenetics, part of Exact Sciences
Classification: Likely benign for TBX21-related condition. Last evaluated: 2019-09-17. Review status: no assertion criteria provided. Collection method: clinical testing. Allele origin: germline.
Comment: This variant is classified as likely benign based on ACMG/AMP sequence variant interpretation guidelines (Richards et al. 2015 PMID: 25741868, with internal and published modifications).

NM_013351.2(TBX21):c.450T>C (p.Phe150=)

Gene: TBX21 (T-box transcription factor 21; plus strand). Cytogenetic location: 17q21.32.
Variant type: single nucleotide variant.
Coding change: c.450T>C on transcript NM_013351.2 (MANE Select); coding-DNA position 450, T replaced by C.
Protein change: p.Phe150=; no amino-acid change (phenylalanine 150 retained).
Molecular consequence: synonymous variant.
Genome position (GRCh38, 1-based): chr17:47,733,904, T>C. VCF-style: chr17-47733904-T-C. GRCh37 (hg19) VCF-style: chr17-45811270-T-C.
Identifiers: ClinVar variation 3355590 (VCV003355590.1).